The following is an entry in ClinVar:

NM_014822.4(SEC24D):c.2143G>A (p.Asp715Asn)

Gene: SEC24D (SEC24 homolog D, COPII component; minus strand). Cytogenetic location: 4q26.
Variant type: single nucleotide variant.
Coding change: c.2143G>A on transcript NM_014822.4 (MANE Select); coding-DNA position 2143, G replaced by A.
Protein change: p.Asp715Asn; replaces aspartic acid 715 with asparagine.
Molecular consequence: missense variant.
Genome position (GRCh38, 1-based): chr4:118,740,758, C>T on the plus strand (G>A on the coding strand, the complement: SEC24D is on the minus strand). VCF-style: chr4-118740758-C-T. GRCh37 (hg19) VCF-style: chr4-119661913-C-T.
Other names: c.2146G>A, p.Asp716Asn (NM_001318066.2); short protein forms D715N, D716N.
Identifiers: ClinVar variation 1957548 (VCV001957548.5), dbSNP rs151309585, ClinGen allele CA3057052.

ClinVar aggregate classification (germline): Uncertain significance (1 of 4 stars; one submission).

Allele frequency attached by ClinVar (database versions not stated): TOPMed below 0.00001; gnomAD 0.00001; 1000 Genomes Project 30x 0.00016; 1000 Genomes Project 0.00020.
gnomAD v4.1: 22 of 1,613,902 alleles (0.0014%); highest among the groups gnomAD compares: East Asian, 0.011%; no homozygotes.

Submission:

Labcorp Genetics (formerly Invitae), Labcorp
Classification: Uncertain significance. Last evaluated: 2022-06-16. Review status: criteria provided, single submitter. Criteria: Invitae Variant Classification Sherloc (09022015). Collection method: clinical testing. Allele origin: germline.
Comment: In summary, the available evidence is currently insufficient to determine the role of this variant in disease. Therefore, it has been classified as a Variant of Uncertain Significance. Algorithms developed to predict the effect of missense changes on protein structure and function are either unavailable or do not agree on the potential impact of this missense change (SIFT: "Not Available"; PolyPhen-2: "Probably Damaging"; Align-GVGD: "Not Available"). This variant has not been reported in the literature in individuals affected with SEC24D-related conditions. This variant is present in population databases (rs151309585, gnomAD 0.01%). This sequence change replaces aspartic acid, which is acidic and polar, with asparagine, which is neutral and polar, at codon 715 of the SEC24D protein (p.Asp715Asn).